The following is an entry in ClinVar:

NM_001039958.2(MESP2):c.479G>A (p.Trp160Ter)

Gene: MESP2 (mesoderm posterior bHLH transcription factor 2; plus strand). Cytogenetic location: 15q26.1.
Variant type: single nucleotide variant.
Coding change: c.479G>A on transcript NM_001039958.2 (MANE Select); coding-DNA position 479, G replaced by A.
Protein change: p.Trp160Ter; replaces tryptophan 160 with a stop codon.
Molecular consequence: nonsense.
Genome position (GRCh38, 1-based): chr15:89,776,836, G>A. VCF-style: chr15-89776836-G-A. GRCh37 (hg19) VCF-style: chr15-90320067-G-A.
Other names: short protein forms W160*.
Identifiers: ClinVar variation 4057645 (VCV004057645.2).
Genomic context (GRCh38, chr15:89,776,836, plus strand): 5'-GTCTCAGCGAGGAGAGTCTGCAGTGCCGGCGCAGGCAGCGCGGGGACGCGGGGTCCCCTT[G>A]GGGCTGCCCGCTGTGCCCCGACCGTGGCCCCGCAGAGGCGCAGACGCAGGCGGAGGGGCA-3'

ClinVar aggregate classification (germline): Likely pathogenic (1 of 4 stars; one submission).

Conditions:
Spondylocostal dysostosis 2, autosomal recessive (SCDO2). Also called: MESP2-Related Spondylocostal Dysostosis, Autosomal Recessive; Spondylocostal dysostosis type 2. Identifiers: Orphanet 2311, MedGen C1837549, MONDO:0012097, OMIM 608681.

Submission:

Natera, Inc.
Classification: Likely pathogenic for Spondylocostal dysostosis type 2. Last evaluated: 2025-05-29. Review status: criteria provided, single submitter. Criteria: Natera Variant Classification Schema (03/2026). Collection method: clinical testing. Allele origin: germline.
Comment: The c.479G>A variant in MESP2 is a nonsense variant predicted to introduce a stop codon at amino acid 160. This variant is expected to result in nonsense mediated decay, truncation, or a dysfunctional protein product. This variant is rare in the general population with a frequency below the threshold expected for the associated phenotype(s). Given the available evidence, this variant is classified as Likely Pathogenic.